The following is an entry in ClinVar:

ClinVar aggregate classification (germline): Likely benign (1 of 4 stars; one submission).

Conditions:
Ellis-van Creveld syndrome (EVC). Also called: EVC-Related Ellis-van Creveld Syndrome; EVC2-Related Ellis-van Creveld Syndrome; MESOECTODERMAL DYSPLASIA; Chondroectodermal dysplasia. Identifiers: Orphanet 289, MedGen C0013903, MONDO:0009162, OMIM 225500.

Allele frequency attached by ClinVar (database versions not stated): 1000 Genomes Project 30x 0.00047; 1000 Genomes Project 0.00060; gnomAD 0.00076 and 0.00082; TOPMed 0.00084.

Submission:

Illumina Laboratory Services, Illumina
Classification: Likely benign for Ellis-van Creveld syndrome. Last evaluated: 2018-01-13. Review status: criteria provided, single submitter. Criteria: ICSL Variant Classification Criteria 13 December 2019. Collection method: clinical testing. Allele origin: germline.
Comment: This variant was observed in the ICSL laboratory as part of a predisposition screen in an ostensibly healthy population. It had not been previously curated by ICSL or reported in the Human Gene Mutation Database (HGMD: prior to June 1st, 2018), and was therefore a candidate for classification through an automated scoring system. Utilizing variant allele frequency, disease prevalence and penetrance estimates, and inheritance mode, an automated score was calculated to assess if this variant is too frequent to cause the disease. Based on the score and internal cut-off values, a variant classified as likely benign is not then subjected to further curation. The score for this variant resulted in a classification of likely benign for this disease.

NM_153717.3(EVC):c.*1976C>T

Genes: EVC (EvC ciliary complex subunit 1; plus strand), LOC129992148 (ATAC-STARR-seq lymphoblastoid active region 21246; plus strand). Cytogenetic location: 4p16.2.
Variant type: single nucleotide variant.
Coding change: c.*1976C>T on transcript NM_153717.3 (MANE Select); 1976 bases downstream of the stop codon, C replaced by T.
Molecular consequence: 3 prime UTR variant.
Genome position (GRCh38, 1-based): chr4:5,813,013, C>T. VCF-style: chr4-5813013-C-T. GRCh37 (hg19) VCF-style: chr4-5814740-C-T.
Other names: c.*1976C>T (NM_001306090.2).
Identifiers: ClinVar variation 906987 (VCV000906987.4), dbSNP rs56333422, ClinGen allele CA91729879.